The following is an entry in ClinVar:

NM_001277115.2(DNAH11):c.3112A>G (p.Thr1038Ala)

Genes: DNAH11 (dynein axonemal heavy chain 11; plus strand), LOC126859961 (BRD4-independent group 4 enhancer GRCh37_chr7:21639662-21640861; plus strand). Cytogenetic location: 7p15.3.
Variant type: single nucleotide variant.
Coding change: c.3112A>G on transcript NM_001277115.2 (MANE Select); coding-DNA position 3112, A replaced by G.
Protein change: p.Thr1038Ala; replaces threonine 1038 with alanine.
Molecular consequence: missense variant.
Genome position (GRCh38, 1-based): chr7:21,600,787, A>G. VCF-style: chr7-21600787-A-G. GRCh37 (hg19) VCF-style: chr7-21640405-A-G.
Other names: short protein forms T1038A.
Identifiers: ClinVar variation 163100 (VCV000163100.30), dbSNP rs10224537, ClinGen allele CA175712.

ClinVar aggregate classification (germline): Benign/Likely benign. Review status: criteria provided, multiple submitters, no conflicts (2 of 4 stars). 9 submissions from 9 submitters: Benign (6); Likely benign (1). 2 of the submissions do not count toward it. Last evaluated 2026-02-04.

Conditions:
Primary ciliary dyskinesia. Also called: Ciliary dyskinesia. Identifiers: Orphanet 244, MedGen C0008780, MONDO:0016575, HP:0012265.
Primary ciliary dyskinesia 7. Also called: CILIARY DYSKINESIA, PRIMARY, 7, WITH OR WITHOUT SITUS INVERSUS. Identifiers: Orphanet 244, MedGen C2678473, MONDO:0012748, OMIM 611884.

Allele frequency attached by ClinVar (database versions not stated): 1000 Genomes Project 0.76777; 1000 Genomes Project 30x 0.76843; gnomAD exomes 0.78246 and 0.82131; TOPMed 0.78764; ExAC 0.78866; gnomAD 0.79581 and 0.79851; ESP Exome Variant Server 0.81529.
gnomAD v4.1: 1,321,042 of 1,613,570 alleles (82%); highest among the groups gnomAD compares: Non-Finnish European, 84%; 543,034 homozygotes.

Submissions (9):

Labcorp Genetics (formerly Invitae), Labcorp
Classification: Benign for Primary ciliary dyskinesia. Last evaluated: 2026-02-04. Review status: criteria provided, single submitter. Criteria: Invitae Variant Classification Sherloc (09022015). Collection method: clinical testing. Allele origin: germline.

Blueprint Genetics
Classification: Likely benign. Last evaluated: 2024-11-27. Review status: criteria provided, single submitter. Criteria: ACMG Guidelines, 2015. Collection method: clinical testing. Allele origin: germline.

Mayo Clinic Laboratories, Mayo Clinic
Classification: Benign. Last evaluated: 2022-04-26. Review status: criteria provided, single submitter. Criteria: ACMG Guidelines, 2015. Collection method: clinical testing. Allele origin: germline. Observed: 200 variant alleles.

Genome-Nilou Lab
Classification: Benign for Primary ciliary dyskinesia 7. Last evaluated: 2021-07-30. Review status: criteria provided, single submitter. Criteria: ACMG Guidelines, 2015. Collection method: clinical testing. Allele origin: germline. Affected: no.

GeneDx
Classification: Benign. Last evaluated: 2018-12-19. Review status: criteria provided, single submitter. Criteria: GeneDx Variant Classification Process June 2021. Collection method: clinical testing. Allele origin: germline. Affected: yes.

Laboratory for Molecular Medicine, Mass General Brigham Personalized Medicine
Classification: Benign. Last evaluated: 2013-02-21. Review status: criteria provided, single submitter. Criteria: LMM Criteria. Collection method: clinical testing. Allele origin: germline. Observed: 101 variant alleles.
Comment: Thr1038Ala in exon 16 of DNAH11: This variant is not expected to have clinical s ignificance because it has been identified in 23.2% (920/3966) of African Americ an chromosomes from a broad population by the NHLBI Exome Sequencing Project (dbSNP rs10224537).

PreventionGenetics, part of Exact Sciences
Classification: Benign. Review status: criteria provided, single submitter. Criteria: ACMG Guidelines, 2015. Collection method: clinical testing. Allele origin: germline.

Clinical Genetics DNA and cytogenetics Diagnostics Lab, Erasmus MC, Erasmus Medical Center
Classification: Benign. Review status: no assertion criteria provided. Collection method: clinical testing. Allele origin: germline. Affected: yes. Study: VKGL Data-share Consensus. Not counted in ClinVar's aggregate classification.

Diagnostic Laboratory, Department of Genetics, University Medical Center Groningen
Classification: Benign. Review status: no assertion criteria provided. Collection method: clinical testing. Allele origin: germline. Affected: yes. Study: VKGL Data-share Consensus. Not counted in ClinVar's aggregate classification.